The following is an entry in ClinVar:

NM_006231.4(POLE):c.3872A>G (p.Lys1291Arg)

Gene: POLE (DNA polymerase epsilon, catalytic subunit; minus strand). Cytogenetic location: 12q24.33.
Variant type: single nucleotide variant.
Coding change: c.3872A>G on transcript NM_006231.4 (MANE Select); coding-DNA position 3872, A replaced by G.
Protein change: p.Lys1291Arg; replaces lysine 1291 with arginine.
Molecular consequence: missense variant.
Genome position (GRCh38, 1-based): chr12:132,649,439, T>C on the plus strand (A>G on the coding strand, the complement: POLE is on the minus strand). VCF-style: chr12-132649439-T-C. GRCh37 (hg19) VCF-style: chr12-133226025-T-C.
Other names: short protein forms K1291R.
Identifiers: ClinVar variation 240484 (VCV000240484.10), dbSNP rs878854864, ClinGen allele CA10582999.

ClinVar aggregate classification (germline): Uncertain significance. Review status: criteria provided, multiple submitters, no conflicts (2 of 4 stars). 2 submissions from 2 submitters: Uncertain significance (2). Last evaluated 2025-06-25.

Conditions:
Hereditary cancer-predisposing syndrome. Also called: Tumor predisposition; Neoplastic Syndromes, Hereditary; Hereditary Cancer Syndrome; Hereditary neoplastic syndrome. Identifiers: Orphanet 140162, MedGen C0027672, MeSH D009386, MONDO:0015356.

Allele frequency attached by ClinVar (database versions not stated): gnomAD below 0.00001 and 0.00001.
gnomAD v4.1: 1 of 1,612,706 alleles (0.000062%); highest among the groups gnomAD compares: South Asian, 0.0011%; no homozygotes.

Submissions (2):

Labcorp Genetics (formerly Invitae), Labcorp
Classification: Uncertain significance. Last evaluated: 2025-06-25. Review status: criteria provided, single submitter. Criteria: Invitae Variant Classification Sherloc (09022015). Collection method: clinical testing. Allele origin: germline.
Comment: This sequence change replaces lysine, which is basic and polar, with arginine, which is basic and polar, at codon 1291 of the POLE protein (p.Lys1291Arg). This variant is not present in population databases (gnomAD no frequency). This variant has not been reported in the literature in individuals affected with POLE-related conditions. ClinVar contains an entry for this variant (Variation ID: 240484). An algorithm developed to predict the effect of missense changes on protein structure and function (PolyPhen-2) suggests that this variant is likely to be tolerated. In summary, the available evidence is currently insufficient to determine the role of this variant in disease. Therefore, it has been classified as a Variant of Uncertain Significance.

Ambry Genetics
Classification: Uncertain significance for Hereditary cancer-predisposing syndrome. Last evaluated: 2022-12-05. Review status: criteria provided, single submitter. Criteria: Ambry Variant Classification Scheme 2023. Collection method: clinical testing. Allele origin: germline.
Comment: The p.K1291R variant (also known as c.3872A>G), located in coding exon 31 of the POLE gene, results from an A to G substitution at nucleotide position 3872. The lysine at codon 1291 is replaced by arginine, an amino acid with highly similar properties. This amino acid position is conserved. In addition, this alteration is predicted to be tolerated by in silico analysis. Since supporting evidence is limited at this time, the clinical significance of this alteration remains unclear.